The following is an entry in ClinVar:

NM_000435.3(NOTCH3):c.2733C>T (p.Thr911=)

Gene: NOTCH3 (notch receptor 3; minus strand). Cytogenetic location: 19p13.12.
Variant type: single nucleotide variant.
Coding change: c.2733C>T on transcript NM_000435.3 (MANE Select); coding-DNA position 2733, C replaced by T.
Protein change: p.Thr911=; no amino-acid change (threonine 911 retained).
Molecular consequence: synonymous variant.
Genome position (GRCh38, 1-based): chr19:15,181,635, G>A on the plus strand (C>T on the coding strand, the complement: NOTCH3 is on the minus strand). VCF-style: chr19-15181635-G-A. GRCh37 (hg19) VCF-style: chr19-15292446-G-A.
Identifiers: ClinVar variation 791461 (VCV000791461.16), dbSNP rs750239290, ClinGen allele CA505825177.

ClinVar aggregate classification (germline): Likely benign. Review status: criteria provided, multiple submitters, no conflicts (2 of 4 stars). 2 submissions from 2 submitters: Likely benign (2). Last evaluated 2025-02-01.

Allele frequency attached by ClinVar (database versions not stated): gnomAD exomes below 0.00001.
gnomAD v4.1: 2 of 1,551,594 alleles (0.00013%); highest among the groups gnomAD compares: Non-Finnish European, 0.00017%; no homozygotes.

Submissions (2):

CeGaT Center for Human Genetics Tuebingen
Classification: Likely benign. Last evaluated: 2025-02-01. Review status: criteria provided, single submitter. Criteria: CeGaT Center For Human Genetics Tuebingen Variant Classification Criteria Version 2. Collection method: clinical testing. Allele origin: germline. Affected: yes. Observed: 1 variant allele.
Comment: NOTCH3: BP4, BP7

Labcorp Genetics (formerly Invitae), Labcorp
Classification: Likely benign. Last evaluated: 2017-07-26. Review status: criteria provided, single submitter. Criteria: Invitae Variant Classification Sherloc (09022015). Collection method: clinical testing. Allele origin: germline.